The following is an entry in ClinVar:

NM_018706.7(DHTKD1):c.2729A>G (p.His910Arg)

Gene: DHTKD1 (dehydrogenase E1 and transketolase domain containing 1; plus strand). Cytogenetic location: 10p14.
Variant type: single nucleotide variant.
Coding change: c.2729A>G on transcript NM_018706.7 (MANE Select); coding-DNA position 2729, A replaced by G.
Protein change: p.His910Arg; replaces histidine 910 with arginine.
Molecular consequence: missense variant.
Genome position (GRCh38, 1-based): chr10:12,120,857, A>G. VCF-style: chr10-12120857-A-G. GRCh37 (hg19) VCF-style: chr10-12162856-A-G.
Other names: short protein forms H910R.
Identifiers: ClinVar variation 3643454 (VCV003643454.2).

ClinVar aggregate classification (germline): Uncertain significance (1 of 4 stars; one submission).

Conditions:
2-aminoadipic 2-oxoadipic aciduria (AAKAD). Also called: ALPHA-AMINOADIPIC AND ALPHA-KETOADIPIC ACIDURIA; Aminoadipic aciduria. Identifiers: Orphanet 79154, MedGen C1859817, MONDO:0008774, OMIM 204750.

Submission:

Labcorp Genetics (formerly Invitae), Labcorp
Classification: Uncertain significance for 2-aminoadipic 2-oxoadipic aciduria. Last evaluated: 2024-02-26. Review status: criteria provided, single submitter. Criteria: Invitae Variant Classification Sherloc (09022015). Collection method: clinical testing. Allele origin: germline.
Comment: This sequence change replaces histidine, which is basic and polar, with arginine, which is basic and polar, at codon 910 of the DHTKD1 protein (p.His910Arg). This variant is not present in population databases (gnomAD no frequency). This variant has not been reported in the literature in individuals affected with DHTKD1-related conditions. Advanced modeling of protein sequence and biophysical properties (such as structural, functional, and spatial information, amino acid conservation, physicochemical variation, residue mobility, and thermodynamic stability) performed at Invitae indicates that this missense variant is not expected to disrupt DHTKD1 protein function with a negative predictive value of 80%. In summary, the available evidence is currently insufficient to determine the role of this variant in disease. Therefore, it has been classified as a Variant of Uncertain Significance.